The following is an entry in ClinVar:

NM_000222.3(KIT):c.2680C>A (p.His894Asn)

Gene: KIT (KIT proto-oncogene, receptor tyrosine kinase; plus strand). Cytogenetic location: 4q12.
Variant type: single nucleotide variant.
Coding change: c.2680C>A on transcript NM_000222.3 (MANE Select); coding-DNA position 2680, C replaced by A.
Protein change: p.His894Asn; replaces histidine 894 with asparagine.
Molecular consequence: missense variant.
Genome position (GRCh38, 1-based): chr4:54,736,804, C>A. VCF-style: chr4-54736804-C-A. GRCh37 (hg19) VCF-style: chr4-55602970-C-A.
Other names: c.2668C>A, p.His890Asn (NM_001093772.2, NM_001385292.1); c.2683C>A, p.His895Asn (NM_001385284.1); c.2677C>A, p.His893Asn (NM_001385285.1); c.2665C>A, p.His889Asn (NM_001385286.1); c.2671C>A, p.His891Asn (NM_001385288.1); c.2680C>A, p.His894Asn (NM_001385290.1); short protein forms H889N, H893N, H894N, H891N, H895N, H890N.
Identifiers: ClinVar variation 2866888 (VCV002866888.3), dbSNP rs141126803, ClinGen allele CA356914036.
Genomic context (GRCh38, chr4:54,736,804, plus strand): 5'-CCGGTCGATTCTAAGTTCTACAAGATGATCAAGGAAGGCTTCCGGATGCTCAGCCCTGAA[C>A]ACGCACCTGCTGAAATGTAAGAGCCAAAAAATTTTTCCTTTAGGTCACGTTTTCCCTTTT-3'
Protein context (NP_000213.1, residues 884-904): KEGFRMLSPE[His894Asn]APAEMYDIMK

ClinVar aggregate classification (germline): Uncertain significance (1 of 4 stars; one submission).

Conditions:
Gastrointestinal stromal tumor. Also called: Gastrointestinal stromal tumor, somatic; Gastrointestinal stroma tumor. Identifiers: Orphanet 44890, MedGen C0238198, MeSH D046152, MONDO:0011719, OMIM 606764, HP:0100723.

Submission:

Labcorp Genetics (formerly Invitae), Labcorp
Classification: Uncertain significance for Gastrointestinal stromal tumor. Last evaluated: 2023-05-22. Review status: criteria provided, single submitter. Criteria: Invitae Variant Classification Sherloc (09022015). Collection method: clinical testing. Allele origin: germline.
Comment: This variant is not present in population databases (gnomAD no frequency). This sequence change replaces histidine, which is basic and polar, with asparagine, which is neutral and polar, at codon 894 of the KIT protein (p.His894Asn). This variant has not been reported in the literature in individuals affected with KIT-related conditions. In summary, the available evidence is currently insufficient to determine the role of this variant in disease. Therefore, it has been classified as a Variant of Uncertain Significance. An algorithm developed to predict the effect of missense changes on protein structure and function (PolyPhen-2) suggests that this variant is likely to be disruptive.